The following is an entry in ClinVar:

NM_005068.3(SIM1):c.286G>A (p.Ala96Thr)

Gene: SIM1 (SIM bHLH transcription factor 1; minus strand). Cytogenetic location: 6q16.3.
Variant type: single nucleotide variant.
Coding change: c.286G>A on transcript NM_005068.3 (MANE Select); coding-DNA position 286, G replaced by A.
Protein change: p.Ala96Thr; replaces alanine 96 with threonine.
Molecular consequence: missense variant.
Genome position (GRCh38, 1-based): chr6:100,450,329, C>T on the plus strand (G>A on the coding strand, the complement: SIM1 is on the minus strand). VCF-style: chr6-100450329-C-T. GRCh37 (hg19) VCF-style: chr6-100898205-C-T.
Other names: c.286G>A, p.Ala96Thr (NM_001374769.1); short protein forms A96T.
Identifiers: ClinVar variation 4888112 (VCV004888112.1).

ClinVar aggregate classification (germline): Uncertain significance (1 of 4 stars; one submission).

Submission:

GeneDx
Classification: Uncertain significance. Last evaluated: 2026-01-23. Review status: criteria provided, single submitter. Criteria: GeneDx Variant Classification Process June 2021. Collection method: clinical testing. Allele origin: germline.
Comment: Not observed at significant frequency in large population cohorts (gnomAD); In silico analysis supports that this missense variant has a deleterious effect on protein structure/function; Has not been previously published as pathogenic or benign to our knowledge